The following is an entry in ClinVar:

ClinVar aggregate classification (germline): Uncertain significance. Review status: criteria provided, multiple submitters, no conflicts (2 of 4 stars). 7 submissions from 7 submitters: Uncertain significance (6). 1 of the submissions does not count toward it. Last evaluated 2025-06-20.

Conditions:
Hereditary cancer-predisposing syndrome. Also called: Tumor predisposition; Hereditary Cancer Syndrome; Hereditary neoplastic syndrome; Neoplastic Syndromes, Hereditary. Identifiers: Orphanet 140162, MedGen C0027672, MeSH D009386, MONDO:0015356.
Microcephaly, normal intelligence and immunodeficiency (NBS). Also called: IMMUNODEFICIENCY, MICROCEPHALY, AND CHROMOSOMAL INSTABILITY; SEEMANOVA SYNDROME II; Nijmegen breakage syndrome; Microcephaly with normal intelligence immunodeficiency and lymphoreticular malignancies; Nonsyndromal microcephaly autosomal recessive with normal intelligence; Seemanova syndrome 2. Identifiers: Orphanet 647, MedGen C0398791, MONDO:0009623, OMIM 251260.
Aplastic anemia. Identifiers: Orphanet 182040, Orphanet 88, MedGen C0002874, MONDO:0015909, OMIM 609135, HP:0001915.

Allele frequency attached by ClinVar (database versions not stated): TOPMed below 0.00001.

Submissions (7):

Women's Health and Genetics/Laboratory Corporation of America, LabCorp
Classification: Uncertain significance. Last evaluated: 2025-06-20. Review status: criteria provided, single submitter. Criteria: LabCorp Variant Classification Summary - May 2015. Collection method: clinical testing. Allele origin: germline.
Comment: Variant summary: NBN c.38-3C>G alters a non-conserved nucleotide located close to a canonical splice site and therefore could affect mRNA splicing, leading to a significantly altered protein sequence. Several computational tools predict a significant impact on normal splicing: Two predict the variant abolishes a 3' acceptor site. Two predict the variant no significant impact on splicing. However, these predictions have yet to be confirmed by functional studies. The variant was absent in 250848 control chromosomes. The available data on variant occurrences in the general population are insufficient to allow any conclusion about variant significance. c.38-3C>G has been observed in individual(s) affected with clinical features of Hereditary Breast And Ovarian Cancer Syndrome, however the association of NBN with this condition has been refuted. These report(s) do not provide unequivocal conclusions about association of the variant with NBN-related conditions. To our knowledge, no experimental evidence demonstrating an impact on protein function has been reported. ClinVar contains an entry for this variant (Variation ID: 234581). Based on the evidence outlined above, the variant was classified as uncertain significance.

Ambry Genetics
Classification: Uncertain significance for Hereditary cancer-predisposing syndrome. Last evaluated: 2024-09-02. Review status: criteria provided, single submitter. Criteria: Ambry Variant Classification Scheme 2023. Collection method: clinical testing. Allele origin: germline.
Comment: The c.38-3C>G intronic variant results from a C to G substitution 3 nucleotides upstream from coding exon 2 in the NBN gene. This variant was detected in 1/333 Polish patients with ovarian cancer (Koczkowska M et al. Cancers (Basel) 2018 Nov;10:). In another study, this alteration was observed in 1/3236 cases with invasive epithelial ovarian cancer and 0/3431 controls (Ramus SJ et al. J Natl Cancer Inst. 2015 Nov;107). This nucleotide position is poorly conserved in available vertebrate species. In silico splice site analysis predicts that this alteration may weaken the native splice acceptor site. Since supporting evidence is limited at this time, the clinical significance of this alteration remains unclear.

Baylor Genetics
Classification: Uncertain significance for Aplastic anemia. Last evaluated: 2023-07-12. Review status: criteria provided, single submitter. Criteria: ACMG Guidelines, 2015. Collection method: clinical testing. Allele origin: unknown.

Genome-Nilou Lab
Classification: Uncertain significance for Microcephaly, normal intelligence and immunodeficiency. Last evaluated: 2021-11-07. Review status: criteria provided, single submitter. Criteria: ACMG Guidelines, 2015. Collection method: clinical testing. Allele origin: germline. Affected: no.

Labcorp Genetics (formerly Invitae), Labcorp
Classification: Uncertain significance for Microcephaly, normal intelligence and immunodeficiency. Last evaluated: 2021-08-30. Review status: criteria provided, single submitter. Criteria: Invitae Variant Classification Sherloc (09022015). Collection method: clinical testing. Allele origin: germline.
Comment: This sequence change falls in intron 1 of the NBN gene. It does not directly change the encoded amino acid sequence of the NBN protein. It affects a nucleotide within the consensus splice site of the intron. This variant is not present in population databases (ExAC no frequency). This variant has been observed in individual(s) with ovarian cancer (PMID: 26315354, 30441849). ClinVar contains an entry for this variant (Variation ID: 234581). Variants that disrupt the consensus splice site are a relatively common cause of aberrant splicing (PMID: 17576681, 9536098). Algorithms developed to predict the effect of sequence changes on RNA splicing suggest that this variant may disrupt the consensus splice site. In summary, the available evidence is currently insufficient to determine the role of this variant in disease. Therefore, it has been classified as a Variant of Uncertain Significance.

GeneDx
Classification: Uncertain significance. Last evaluated: 2015-10-29. Review status: criteria provided, single submitter. Criteria: GeneDx Variant Classification (06012015). Collection method: clinical testing. Allele origin: germline. Affected: yes.
Comment: This variant is denoted NBN c.38-3C>G or IVS1-3C>G and consists of a C>G nucleotide substitution at the -3 position of intron 1 of the NBN gene. An in silico model predicts this variant to weaken the nearby natural acceptor site, and to possibly cause abnormal gene splicing; however, in the absence of RNA or functional studies, the actual effect of this variant is unknown. This variant was identified in at least one individual with epithelial ovarian cancer (Ramus 2015). The cystosine (C) nucleotide that is altered is not conserved across species. Based on currently available information, it is unclear whether NBN c.38-3C>G is a pathogenic or benign variant. We consider it to be a variant of uncertain significance.

Counsyl
Classification: Uncertain significance for Microcephaly, normal intelligence and immunodeficiency. Last evaluated: 2017-06-21. Review status: no assertion criteria provided. Collection method: clinical testing. Allele origin: unknown. Not counted in ClinVar's aggregate classification.

Literature cited by the submitters: PubMed 26315354 (cited by 3 submitters); PubMed 30441849 (cited by 3 submitters); PubMed 38924040 (cited by Women's Health and Genetics/Laboratory Corporation of America, LabCorp); PubMed 17576681 (cited by Labcorp Genetics (formerly Invitae), Labcorp); PubMed 9536098 (cited by Labcorp Genetics (formerly Invitae), Labcorp).

NM_002485.5(NBN):c.38-3C>G

Gene: NBN (nibrin; minus strand). Cytogenetic location: 8q21.3.
Variant type: single nucleotide variant.
Coding change: c.38-3C>G on transcript NM_002485.5 (MANE Select); 3 bases into the intron before coding-DNA position 38, C replaced by G.
Molecular consequence: intron variant.
Genome position (GRCh38, 1-based): chr8:89,982,858, G>C on the plus strand (C>G on the coding strand, the complement: NBN is on the minus strand). VCF-style: chr8-89982858-G-C. GRCh37 (hg19) VCF-style: chr8-90995086-G-C.
Other names: c.-259-3C>G (NM_001024688.3).
Identifiers: ClinVar variation 234581 (VCV000234581.19), dbSNP rs876661099, ClinGen allele CA10577372.